The following is an entry in ClinVar:

NM_025114.4(CEP290):c.190C>T (p.Gln64Ter)

Gene: CEP290 (centrosomal protein 290; minus strand). Cytogenetic location: 12q21.32.
Variant type: single nucleotide variant.
Coding change: c.190C>T on transcript NM_025114.4 (MANE Select); coding-DNA position 190, C replaced by T.
Protein change: p.Gln64Ter; replaces glutamine 64 with a stop codon.
Molecular consequence: nonsense.
Genome position (GRCh38, 1-based): chr12:88,139,555, G>A on the plus strand (C>T on the coding strand, the complement: CEP290 is on the minus strand). VCF-style: chr12-88139555-G-A. GRCh37 (hg19) VCF-style: chr12-88533332-G-A.
Other names: c.190C>T (NM_025114.3); short protein forms Q64*.
Identifiers: ClinVar variation 1457893 (VCV001457893.7), dbSNP rs1166981120, ClinGen allele CA385989437.

ClinVar aggregate classification (germline): Pathogenic/Likely pathogenic. Review status: criteria provided, multiple submitters, no conflicts (2 of 4 stars). 2 submissions from 2 submitters: Pathogenic (1); Likely pathogenic (1). Last evaluated 2025-09-29.

Conditions:
Nephronophthisis. Also called: Juvenile Nephronophthisis. Identifiers: Orphanet 655, MedGen C0687120, MONDO:0019005, HP:0000090.
Meckel-Gruber syndrome. Also called: DYSENCEPHALIA SPLANCHNOCYSTICA; GRUBER SYNDROME; Dysencephalia splachnocystica. Identifiers: Orphanet 564, MedGen C0265215, MONDO:0018921.
Joubert syndrome. Also called: CEREBELLOPARENCHYMAL DISORDER IV; JOUBERT-BOLTSHAUSER SYNDROME; Familial aplasia of the vermis. Identifiers: Orphanet 475, MedGen C5979921, MONDO:0018772.
Leber congenital amaurosis (LCA). Also called: Leber's amaurosis. Identifiers: Orphanet 65, MedGen C0339527, MeSH D057130, MONDO:0018998.

gnomAD v4.1: 1 of 1,575,940 alleles (0.000063%); highest among the groups gnomAD compares: Non-Finnish European, 0.000086%; no homozygotes.

Submissions (2):

Natera, Inc.
Classification: Likely pathogenic for Leber congenital amaurosis. Last evaluated: 2025-09-29. Review status: criteria provided, single submitter. Criteria: Natera Variant Classification Schema (03/2026). Collection method: clinical testing. Allele origin: germline.
Comment: The c.190C>T variant in CEP290 is a nonsense variant predicted to introduce a stop codon at amino acid 64. This variant is expected to result in nonsense mediated decay, truncation, or a dysfunctional protein product. This variant is rare in the general population with a frequency below the threshold expected for the associated phenotype(s). Given the available evidence, this variant is classified as Likely Pathogenic.

Labcorp Genetics (formerly Invitae), Labcorp
Classification: Pathogenic for Joubert syndrome; Meckel-Gruber syndrome; Nephronophthisis. Last evaluated: 2022-05-27. Review status: criteria provided, single submitter. Criteria: Invitae Variant Classification Sherloc (09022015). Collection method: clinical testing. Allele origin: germline.
Comment: For these reasons, this variant has been classified as Pathogenic. This variant has not been reported in the literature in individuals affected with CEP290-related conditions. This variant is not present in population databases (gnomAD no frequency). This sequence change creates a premature translational stop signal (p.Gln64*) in the CEP290 gene. It is expected to result in an absent or disrupted protein product. Loss-of-function variants in CEP290 are known to be pathogenic (PMID: 16909394, 17345604, 20690115).

Literature cited by the submitters: PubMed 16909394 (cited by Labcorp Genetics (formerly Invitae), Labcorp); PubMed 17345604 (cited by Labcorp Genetics (formerly Invitae), Labcorp); PubMed 20690115 (cited by Labcorp Genetics (formerly Invitae), Labcorp).